The following is an entry in ClinVar:

NM_007294.4(BRCA1):c.5406+4del

Gene: BRCA1 (BRCA1 DNA repair associated; minus strand). Cytogenetic location: 17q21.31.
Variant type: Deletion.
Coding change: c.5406+4del on transcript NM_007294.4 (MANE Select); 4 bases into the intron after coding-DNA position 5406, one base deleted (A; older notation c.5406+4delA).
Molecular consequence: intron variant.
Genome position (GRCh38, 1-based): chr17:43,049,117, T deleted on the plus strand (A on the coding strand, the reverse complement: BRCA1 is on the minus strand); the first of 2 consecutive T bases (chr17:43,049,117-43,049,118); deleting either gives the same sequence. VCF-style (leftmost placement, unchanged base first): chr17-43049116-CT-C. GRCh37 (hg19) VCF-style: chr17-41201133-CT-C.
Other names: c.1953+4del (NM_001408458.1, NM_001408461.1, NM_001408464.1 and 7 more transcripts); c.4515+4del (NM_001407967.1); c.5025+4del (NM_001407959.1); c.5139+4del (NM_001407931.1, NM_001407932.1, NM_001407928.1 and 4 more transcripts); c.5262+4del (NM_001407747.1, NM_001407745.1, NM_001407737.1 and 18 more transcripts); c.5022+4del (NM_001407962.1, NM_001407960.1); c.1593+4del (NM_001408512.1); c.1716+4del (NM_001408510.1); and 85 more.
Identifiers: ClinVar variation 3773126 (VCV003773126.2).
Genomic context (GRCh38, chr17:43,049,116, plus strand): 5'-TGCCAGTCTTGCTCACAGGAGAGAATATTGTGTCCTCCCTCTCTGACAGGGCACCCAATA[CT>C]TACTGTGCCAAGGGTGAATGATGAAAGCTCCTTCACCACAGAAGCACCACACAGCTGTAC-3'

ClinVar aggregate classification (germline): Pathogenic/Likely pathogenic. Review status: criteria provided, multiple submitters, no conflicts (2 of 4 stars). 2 submissions from 2 submitters: Pathogenic (1); Likely pathogenic (1). Last evaluated 2025-12-13.

Conditions:
Hereditary cancer-predisposing syndrome. Also called: Neoplastic Syndromes, Hereditary; Tumor predisposition; Hereditary Cancer Syndrome; Hereditary neoplastic syndrome. Identifiers: Orphanet 140162, MedGen C0027672, MeSH D009386, MONDO:0015356.
Breast-ovarian cancer, familial, susceptibility to, 1 (BROVCA1). Also called: BRCA1 Hereditary Breast and Ovarian Cancer; OVARIAN CANCER, SUSCEPTIBILITY TO. Identifiers: Orphanet 145, MedGen C2676676, MONDO:0011450, OMIM 604370. Disease mechanism: loss of function.

Submissions (2):

Ambry Genetics
Classification: Likely pathogenic for Hereditary cancer-predisposing syndrome. Last evaluated: 2025-12-13. Review status: criteria provided, single submitter. Criteria: Ambry Variant Classification Scheme 2023. Collection method: clinical testing. Allele origin: germline.
Comment: The c.5406+4delA intronic variant, located in intron 20 of the BRCA1 gene, results from a deletion of one nucleotide within intron 20 of the BRCA1 gene. This variant is considered to be rare based on population cohorts in the Genome Aggregation Database (gnomAD). This nucleotide position is highly conserved in available vertebrate species. In silico splice site analysis predicts that this alteration will weaken the native splice donor site; however, direct evidence is insufficient (Ambry internal data). Other variants impacting the same donor site (eg c.5406+1G>A, c.5406+4G>A) have been shown to have a similar impact on splicing and have been reported as non-functional in a saturation genome editing assay (Houdayer C. et al. Hum Mutat . 2012 Aug;33(8):1228-38; Steffensen AY et al. Eur J Hum Genet. 2014 Dec;22(12):1362-8; Findlay GM et al. Nature. 2018 Oct;562(7726):217-222; Ambry internal data). Based on the majority of available evidence to date, this variant is likely to be pathogenic.

Myriad Genetics, Inc.
Classification: Pathogenic for Breast-ovarian cancer, familial, susceptibility to, 1. Last evaluated: 2024-10-16. Review status: criteria provided, single submitter. Criteria: Myriad Autosomal Dominant, Autosomal Recessive and X-Linked Classification Criteria (2023). Collection method: clinical testing. Allele origin: unknown.
Comment: This variant is considered pathogenic. mRNA analysis has demonstrated abnormal mRNA splicing occurs [PMID: 23239986, 27616075]. This variant is strongly associated with more severe personal and family histories of cancer, typical for individuals with pathogenic variants in this gene [PMID: 25085752].

Literature cited by the submitters: PubMed 23239986 (cited by Myriad Genetics, Inc.); PubMed 27616075 (cited by Myriad Genetics, Inc.); PubMed 25085752 (cited by Myriad Genetics, Inc.).